The following is an entry in ClinVar:

ClinVar aggregate classification (germline): Uncertain significance. Review status: criteria provided, multiple submitters, no conflicts (2 of 4 stars). 3 submissions from 3 submitters: Uncertain significance (3). Last evaluated 2023-04-11.

Conditions:
Developmental and epileptic encephalopathy, 18 (DEE18). Also called: Early infantile epileptic encephalopathy 18. Identifiers: Orphanet 369894, MedGen C3809624, MONDO:0014201, OMIM 615476.
Inborn genetic diseases. Identifiers: MedGen C0950123, MeSH D030342.

Allele frequency attached by ClinVar (database versions not stated): ExAC 0.00001; gnomAD 0.00001; TOPMed 0.00001; gnomAD exomes 0.00002.
gnomAD v4.1: 34 of 1,612,904 alleles (0.0021%); highest among the groups gnomAD compares: African/African-American, 0.004%; no homozygotes.

Submissions (3):

Genome-Nilou Lab
Classification: Uncertain significance for Developmental and epileptic encephalopathy, 18. Last evaluated: 2023-04-11. Review status: criteria provided, single submitter. Criteria: ACMG Guidelines, 2015. Collection method: clinical testing. Allele origin: germline. Affected: no.

Ambry Genetics
Classification: Uncertain significance for Inborn genetic diseases. Last evaluated: 2022-10-05. Review status: criteria provided, single submitter. Criteria: Ambry Variant Classification Scheme 2023. Collection method: clinical testing. Allele origin: germline.

Labcorp Genetics (formerly Invitae), Labcorp
Classification: Uncertain significance. Last evaluated: 2021-11-11. Review status: criteria provided, single submitter. Criteria: Invitae Variant Classification Sherloc (09022015). Collection method: clinical testing. Allele origin: germline.
Comment: This sequence change replaces isoleucine, which is neutral and non-polar, with valine, which is neutral and non-polar, at codon 2676 of the SZT2 protein (p.Ile2676Val). This variant is present in population databases (rs748208436, gnomAD 0.004%). This variant has not been reported in the literature in individuals affected with SZT2-related conditions. Algorithms developed to predict the effect of missense changes on protein structure and function are either unavailable or do not agree on the potential impact of this missense change (SIFT: "Tolerated"; PolyPhen-2: "Possibly Damaging"; Align-GVGD: "Class C0"). In summary, the available evidence is currently insufficient to determine the role of this variant in disease. Therefore, it has been classified as a Variant of Uncertain Significance.

NM_001365999.1(SZT2):c.8197A>G (p.Ile2733Val)

Gene: SZT2 (SZT2 subunit of KICSTOR complex; plus strand). Cytogenetic location: 1p34.2.
Variant type: single nucleotide variant.
Coding change: c.8197A>G on transcript NM_001365999.1 (MANE Select); coding-DNA position 8197, A replaced by G.
Protein change: p.Ile2733Val; replaces isoleucine 2733 with valine.
Molecular consequence: missense variant.
Genome position (GRCh38, 1-based): chr1:43,442,864, A>G. VCF-style: chr1-43442864-A-G. GRCh37 (hg19) VCF-style: chr1-43908535-A-G.
Other names: c.8026A>G, p.Ile2676Val (NM_015284.4); c.8026A>G (NM_015284.3); short protein forms I2676V, I2733V.
Identifiers: ClinVar variation 1463007 (VCV001463007.5), dbSNP rs748208436, ClinGen allele CA810479.